The following is an entry in ClinVar:

ClinVar aggregate classification (germline): Uncertain significance. Review status: criteria provided, multiple submitters, no conflicts (2 of 4 stars). 2 submissions from 2 submitters: Uncertain significance (2). Last evaluated 2023-04-09.

Conditions:
Inborn genetic diseases. Identifiers: MedGen C0950123, MeSH D030342.

Allele frequency attached by ClinVar (database versions not stated): TOPMed 0.00021; gnomAD 0.00022; ESP Exome Variant Server 0.00056; gnomAD exomes 0.00001; ExAC 0.00019.
gnomAD v4.1: 52 of 1,582,974 alleles (0.0033%); highest among the groups gnomAD compares: African/African-American, 0.062%; no homozygotes.

Submissions (3):

Labcorp Genetics (formerly Invitae), Labcorp
Classification: Uncertain significance. Last evaluated: 2023-04-09. Review status: criteria provided, single submitter. Criteria: Invitae Variant Classification Sherloc (09022015). Collection method: clinical testing. Allele origin: germline.
Comment: An algorithm developed to predict the effect of missense changes on protein structure and function (PolyPhen-2) suggests that this variant is likely to be disruptive. This sequence change replaces threonine, which is neutral and polar, with isoleucine, which is neutral and non-polar, at codon 257 of the NIPAL4 protein (p.Thr257Ile). This variant is present in population databases (rs201759529, gnomAD 0.09%). This variant has not been reported in the literature in individuals affected with NIPAL4-related conditions. ClinVar contains an entry for this variant (Variation ID: 2379936). Algorithms developed to predict the effect of sequence changes on RNA splicing suggest that this variant may disrupt the consensus splice site. In summary, the available evidence is currently insufficient to determine the role of this variant in disease. Therefore, it has been classified as a Variant of Uncertain Significance.

Ambry Genetics
Classification: Uncertain significance for Inborn genetic diseases. Last evaluated: 2021-10-22. Review status: criteria provided, single submitter. Criteria: Ambry Variant Classification Scheme 2023. Collection method: clinical testing. Allele origin: germline.

Dr. Peter K. Rogan Lab, Western University
No classification provided (evidence only). Condition: Lung cancer. Review status: no classification provided. Collection method: in vitro. Allele origin: not applicable. Functional consequence: retained intron. Not counted in ClinVar's aggregate classification.

NM_001099287.2(NIPAL4):c.584C>T (p.Thr195Ile)

Gene: NIPAL4 (NIPA like domain containing 4; plus strand). Cytogenetic location: 5q33.3.
Variant type: single nucleotide variant.
Coding change: c.584C>T on transcript NM_001099287.2 (MANE Select); coding-DNA position 584, C replaced by T.
Protein change: p.Thr195Ile; replaces threonine 195 with isoleucine.
Molecular consequence: missense variant.
Genome position (GRCh38, 1-based): chr5:157,471,815, C>T. VCF-style: chr5-157471815-C-T. GRCh37 (hg19) VCF-style: chr5-156898823-C-T.
Other names: c.527C>T, p.Thr176Ile (NM_001172292.2); short protein forms T195I, T176I, T238I.
Identifiers: ClinVar variation 2379936 (VCV002379936.5), dbSNP rs201759529, ClinGen allele CA3534677.